The following is an entry in ClinVar:

NM_002949.4(MRPL12):c.186dup (p.Lys63fs)

Gene: MRPL12 (mitochondrial ribosomal protein L12; plus strand). Cytogenetic location: 17q25.3.
Variant type: Duplication.
Coding change: c.186dup on transcript NM_002949.4 (MANE Select); coding-DNA position 186, one base duplicated (C; older notation c.186dupC).
Protein change: p.Lys63fs; shifts the reading frame from lysine 63.
Molecular consequence: frameshift variant.
Genome position (GRCh38, 1-based): chr17:81,704,355, C duplicated; the last of 7 consecutive C bases (chr17:81,704,349-81,704,355); duplicating any one gives the same sequence. VCF-style (leftmost placement, unchanged base first): chr17-81704348-A-AC. GRCh37 (hg19) VCF-style: chr17-79671378-A-AC.
Other names: short protein forms K63fs.
Identifiers: ClinVar variation 2721875 (VCV002721875.3), dbSNP rs769882870, ClinGen allele CA8841273.
Genomic context (GRCh38, chr17:81,704,348, plus strand): 5'-GCGGCCATCAGAGGTGTGAGGCCCTCGCTGGTGCACCCCTGGATAACGCCCCCAAGGAGT[A>AC]CCCCCCCAAGATACAGCAGCTGGTCCAGGACATCGCCAGCCTCACTCTCTTGGAAATCTC-3'

ClinVar aggregate classification (germline): Uncertain significance (1 of 4 stars; one submission).

Submission:

Labcorp Genetics (formerly Invitae), Labcorp
Classification: Uncertain significance. Last evaluated: 2023-04-11. Review status: criteria provided, single submitter. Criteria: Invitae Variant Classification Sherloc (09022015). Collection method: clinical testing. Allele origin: germline.
Comment: In summary, the available evidence is currently insufficient to determine the role of this variant in disease. Therefore, it has been classified as a Variant of Uncertain Significance. This variant has not been reported in the literature in individuals affected with MRPL12-related conditions. The frequency data for this variant in the population databases is considered unreliable, as metrics indicate poor data quality at this position in the gnomAD database. This sequence change creates a premature translational stop signal (p.Lys63Glnfs*118) in the MRPL12 gene. While this is not anticipated to result in nonsense mediated decay, it is expected to disrupt the last 136 amino acid(s) of the MRPL12 protein.